The following is an entry in ClinVar:

ClinVar aggregate classification (germline): Uncertain significance. Review status: criteria provided, multiple submitters, no conflicts (2 of 4 stars). 2 submissions from 2 submitters: Uncertain significance (2). Last evaluated 2022-02-10.

Conditions:
Lethal multiple pterygium syndrome (LMPS). Identifiers: Orphanet 33108, MedGen C1854678, MONDO:0009668, OMIM 253290.

Submissions (2):

Labcorp Genetics (formerly Invitae), Labcorp
Classification: Uncertain significance for Lethal multiple pterygium syndrome. Last evaluated: 2022-02-10. Review status: criteria provided, single submitter. Criteria: Invitae Variant Classification Sherloc (09022015). Collection method: clinical testing. Allele origin: germline.
Comment: In summary, the available evidence is currently insufficient to determine the role of this variant in disease. Therefore, it has been classified as a Variant of Uncertain Significance. Algorithms developed to predict the effect of missense changes on protein structure and function are either unavailable or do not agree on the potential impact of this missense change (SIFT: "Deleterious"; PolyPhen-2: "Probably Damaging"; Align-GVGD: "Class C0"). ClinVar contains an entry for this variant (Variation ID: 1010454). This variant has not been reported in the literature in individuals affected with CHRNA1-related conditions. This variant is not present in population databases (gnomAD no frequency). This sequence change replaces threonine, which is neutral and polar, with alanine, which is neutral and non-polar, at codon 301 of the CHRNA1 protein (p.Thr301Ala).

Blueprint Genetics
Classification: Uncertain significance. Last evaluated: 2021-11-09. Review status: criteria provided, single submitter. Criteria: ACMG Guidelines, 2015. Collection method: clinical testing. Allele origin: germline.

NM_000079.4(CHRNA1):c.901A>G (p.Thr301Ala)

Gene: CHRNA1 (cholinergic receptor nicotinic alpha 1 subunit; minus strand). Cytogenetic location: 2q31.1.
Variant type: single nucleotide variant.
Coding change: c.901A>G on transcript NM_000079.4 (MANE Select); coding-DNA position 901, A replaced by G.
Protein change: p.Thr301Ala; replaces threonine 301 with alanine.
Molecular consequence: missense variant.
Genome position (GRCh38, 1-based): chr2:174,750,047, T>C on the plus strand (A>G on the coding strand, the complement: CHRNA1 is on the minus strand). VCF-style: chr2-174750047-T-C. GRCh37 (hg19) VCF-style: chr2-175614775-T-C.
Other names: c.976A>G, p.Thr326Ala (NM_001039523.3); short protein forms T301A, T326A.
Identifiers: ClinVar variation 1010454 (VCV001010454.9), dbSNP rs1683816643, ClinGen allele CA349336426.